The following is an entry in ClinVar:

ClinVar aggregate classification (germline): Uncertain significance (1 of 4 stars; one submission).

Conditions:
Cardiovascular phenotype. Identifiers: MedGen CN230736.

gnomAD v4.1: 2 of 1,209,653 alleles (0.00017%); highest among the groups gnomAD compares: Non-Finnish European, 0.00022%; no homozygotes.

Submission:

Ambry Genetics
Classification: Uncertain significance for Cardiovascular phenotype. Last evaluated: 2026-05-28. Review status: criteria provided, single submitter. Criteria: Ambry Variant Classification Scheme 2023. Collection method: clinical testing. Allele origin: germline.
Comment: The p.A309T variant (also known as c.925G>A), located in coding exon 6 of the GLA gene, results from a G to A substitution at nucleotide position 925. The alanine at codon 309 is replaced by threonine, an amino acid with similar properties. This amino acid position is conserved. In addition, this alteration is predicted to be tolerated by in silico analysis. Based on the available evidence, the clinical significance of this variant remains unclear.

NM_000169.3(GLA):c.925G>A (p.Ala309Thr)

Genes: GLA (galactosidase alpha; minus strand), RPL36A-HNRNPH2 (RPL36A-HNRNPH2 readthrough; plus strand). Cytogenetic location: Xq22.1.
Variant type: single nucleotide variant.
Coding change: c.925G>A on transcript NM_000169.3 (MANE Select); coding-DNA position 925, G replaced by A.
Protein change: p.Ala309Thr; replaces alanine 309 with threonine.
Molecular consequence: missense variant. On other transcripts: non-coding transcript variant (3), intron variant (2).
Genome position (GRCh38, 1-based): chrX:101,398,444, C>T on the plus strand (G>A on the coding strand, the complement: GLA is on the minus strand). VCF-style: chrX-101398444-C-T. GRCh37 (hg19) VCF-style: chrX-100653432-C-T.
Other names: c.1048G>A, p.Ala350Thr (NM_001406747.1); c.925G>A, p.Ala309Thr (NM_001406748.1); c.300+2987C>T (NM_001199973.2); c.177+6622C>T (NM_001199974.2); short protein forms A309T, A350T.
Identifiers: ClinVar variation 4858097 (VCV004858097.1).
Genomic context (GRCh38, chrX:101,398,444, plus strand): 5'-ACCCTTGCTTGCCCAAGGGGTCCTGATTGATGGCAATTACGTCCTTATCCTGAAGGAGAG[C>T]TTTGGCTTGAGGGCTGATGTGTCGGAGGTCATTAGACATGAATAAAGGAGCAGCCATGAT-3'
Protein context (NP_000160.1, residues 299-319): DLRHISPQAK[Ala309Thr]LLQDKDVIAI